The following is an entry in ClinVar:

ClinVar aggregate classification (germline): Benign/Likely benign. Review status: criteria provided, multiple submitters, no conflicts (2 of 4 stars). 4 submissions from 4 submitters: Benign (2); Likely benign (1). 1 of the submissions does not count toward it. Last evaluated 2026-02-04.

Conditions:
EYS-related disorder. Also called: EYS-related condition.

Allele frequency attached by ClinVar (database versions not stated): gnomAD 0.00203 and 0.00217; TOPMed 0.00234; gnomAD exomes 0.00051; ExAC 0.00060; 1000 Genomes Project 0.00140; 1000 Genomes Project 30x 0.00172; ESP Exome Variant Server 0.00185.
gnomAD v4.1: 626 of 1,613,308 alleles (0.039%); highest among the groups gnomAD compares: African/African-American, 0.72%; 2 homozygotes.

Submissions (4):

Labcorp Genetics (formerly Invitae), Labcorp
Classification: Benign. Last evaluated: 2026-02-04. Review status: criteria provided, single submitter. Criteria: Invitae Variant Classification Sherloc (09022015). Collection method: clinical testing. Allele origin: germline.

Blueprint Genetics
Classification: Likely benign. Last evaluated: 2024-10-17. Review status: criteria provided, single submitter. Criteria: ACMG Guidelines, 2015. Collection method: clinical testing. Allele origin: germline.

Eurofins Ntd Llc (ga)
Classification: Benign. Last evaluated: 2016-04-14. Review status: criteria provided, single submitter. Criteria: EGL Classification Definitions 2015. Collection method: clinical testing. Allele origin: germline. Observed: 2 variant alleles, 2 heterozygotes.

PreventionGenetics, part of Exact Sciences
Classification: Benign for EYS-related condition. Last evaluated: 2020-12-16. Review status: no assertion criteria provided. Collection method: clinical testing. Allele origin: germline. Not counted in ClinVar's aggregate classification.
Comment: This variant is classified as benign based on ACMG/AMP sequence variant interpretation guidelines (Richards et al. 2015 PMID: 25741868, with internal and published modifications).

NM_001142800.2(EYS):c.988G>A (p.Glu330Lys)

Gene: EYS (EGF-like photoreceptor maintenance factor; minus strand). Cytogenetic location: 6q12.
Variant type: single nucleotide variant.
Coding change: c.988G>A on transcript NM_001142800.2 (MANE Select); coding-DNA position 988, G replaced by A.
Protein change: p.Glu330Lys; replaces glutamic acid 330 with lysine.
Molecular consequence: missense variant.
Genome position (GRCh38, 1-based): chr6:65,405,242, C>T on the plus strand (G>A on the coding strand, the complement: EYS is on the minus strand). VCF-style: chr6-65405242-C-T. GRCh37 (hg19) VCF-style: chr6-66115135-C-T.
Other names: c.988G>A, p.Glu330Lys (NM_001142801.2, NM_001292009.2, NM_198283.2); short protein forms E330K.
Identifiers: ClinVar variation 287292 (VCV000287292.19), dbSNP rs144803840, ClinGen allele CA3877907.